The following is an entry in ClinVar:

NM_015100.4(POGZ):c.937A>G (p.Asn313Asp)

Gene: POGZ (pogo transposable element derived with ZNF domain; minus strand). Cytogenetic location: 1q21.3.
Variant type: single nucleotide variant.
Coding change: c.937A>G on transcript NM_015100.4 (MANE Select); coding-DNA position 937, A replaced by G.
Protein change: p.Asn313Asp; replaces asparagine 313 with aspartic acid.
Molecular consequence: missense variant.
Genome position (GRCh38, 1-based): chr1:151,427,964, T>C on the plus strand (A>G on the coding strand, the complement: POGZ is on the minus strand). VCF-style: chr1-151427964-T-C. GRCh37 (hg19) VCF-style: chr1-151400440-T-C.
Other names: c.910A>G, p.Asn304Asp (NM_001194937.2); c.751A>G, p.Asn251Asp (NM_001194938.2); c.958A>G, p.Asn320Asp (NM_001410860.1); c.652A>G, p.Asn218Asp (NM_145796.4); c.778A>G, p.Asn260Asp (NM_207171.2); short protein forms N218D, N251D, N260D, N304D, N313D, N320D.
Identifiers: ClinVar variation 3345798 (VCV003345798.1).
Genomic context (GRCh38, chr1:151,427,964, plus strand): 5'-TCTGGCCCAGGGAAGGGATGGTGTTAAGGGTATTCACCAATTTGGCCACTTCATTGCTAT[T>C]TTCGCCTGTAACACCAGGTCGCTTCACAGTGACAAAGCTGGCAATGCTCACTGCAGGTGG-3'
Protein context (NP_055915.2, residues 303-323): TVKRPGVTGE[Asn313Asp]SNEVAKLVNT

ClinVar aggregate classification (germline): Uncertain significance (0 of 4 stars; one submission).

Conditions:
POGZ-related disorder. Also called: POGZ-related condition.

Submission:

PreventionGenetics, part of Exact Sciences
Classification: Uncertain significance for POGZ-related condition. Last evaluated: 2024-04-02. Review status: no assertion criteria provided. Collection method: clinical testing. Allele origin: germline.
Comment: The POGZ c.937A>G variant is predicted to result in the amino acid substitution p.Asn313Asp. To our knowledge, this variant has not been reported in the literature or in a large population database, indicating this variant is rare. At this time, the clinical significance of this variant is uncertain due to the absence of conclusive functional and genetic evidence.